The following is an entry in ClinVar:

ClinVar aggregate classification (germline): Benign/Likely benign. Review status: criteria provided, multiple submitters, no conflicts (2 of 4 stars). 5 submissions from 5 submitters: Benign (1); Likely benign (4). Last evaluated 2024-12-31.

Conditions:
Lynch syndrome. Identifiers: Orphanet 144, MedGen C4552100, MONDO:0005835. Disease mechanism: loss of function.
Hereditary cancer-predisposing syndrome. Also called: Tumor predisposition; Hereditary Cancer Syndrome; Hereditary neoplastic syndrome; Neoplastic Syndromes, Hereditary. Identifiers: Orphanet 140162, MedGen C0027672, MeSH D009386, MONDO:0015356.
Hereditary nonpolyposis colorectal neoplasms. Identifiers: MedGen C0009405, MeSH D003123.
Lynch syndrome 5 (LYNCH5). Also called: Hereditary non-polyposis colorectal cancer, type 5; Colorectal cancer, hereditary nonpolyposis, type 5. Identifiers: Orphanet 144, MedGen C1833477, MONDO:0013710, OMIM 614350. Disease mechanism: loss of function.

Submissions (5):

Myriad Genetics, Inc.
Classification: Benign for Lynch syndrome 5. Last evaluated: 2024-12-31. Review status: criteria provided, single submitter. Criteria: Myriad Autosomal Dominant, Autosomal Recessive and X-Linked Classification Criteria (2023). Collection method: clinical testing. Allele origin: unknown.
Comment: This variant is considered benign. This variant is a silent/synonymous amino acid change and it is not expected to impact splicing.

Labcorp Genetics (formerly Invitae), Labcorp
Classification: Likely benign for Hereditary nonpolyposis colorectal neoplasms. Last evaluated: 2024-08-21. Review status: criteria provided, single submitter. Criteria: Invitae Variant Classification Sherloc (09022015). Collection method: clinical testing. Allele origin: germline.

All of Us Research Program, National Institutes of Health
Classification: Likely benign for Lynch syndrome. Last evaluated: 2023-11-20. Review status: criteria provided, single submitter. Criteria: ACMG Guidelines, 2015. Collection method: clinical testing. Allele origin: germline. Inheritance: Autosomal dominant inheritance. Observed: 1 variant allele, 1 heterozygote.
Comment: This study involves interpretation of variants in research participants for the purpose of population health screening. Participant phenotype was not available at the time of variant classification. Additional details can be found in publication PMID: 35346344, PMCID: PMC8962531

Color Diagnostics, LLC DBA Color Health
Classification: Likely benign for Hereditary cancer-predisposing syndrome. Last evaluated: 2023-11-01. Review status: criteria provided, single submitter. Criteria: ACMG Guidelines, 2015. Collection method: clinical testing. Allele origin: germline.

Ambry Genetics
Classification: Likely benign for Hereditary cancer-predisposing syndrome. Last evaluated: 2023-09-07. Review status: criteria provided, single submitter. Criteria: Ambry Variant Classification Scheme 2023. Collection method: clinical testing. Allele origin: germline.

NM_000179.3(MSH6):c.2406T>G (p.Pro802=)

Gene: MSH6 (mutS homolog 6; plus strand). Cytogenetic location: 2p16.3.
Variant type: single nucleotide variant.
Coding change: c.2406T>G on transcript NM_000179.3 (MANE Select); coding-DNA position 2406, T replaced by G.
Protein change: p.Pro802=; no amino-acid change (proline 802 retained).
Molecular consequence: synonymous variant. On other transcripts: non-coding transcript variant (5), intron variant (3).
Genome position (GRCh38, 1-based): chr2:47,800,389, T>G. VCF-style: chr2-47800389-T-G. GRCh37 (hg19) VCF-style: chr2-48027528-T-G.
Other names: c.2109T>G, p.Pro703= (NM_001406822.1, NM_001406824.1, NM_001406825.1 and 10 more transcripts); c.1500T>G, p.Pro500= (NM_001406823.1, NM_001406829.1, NM_001281493.2 and 6 more transcripts); c.2238T>G, p.Pro746= (NM_001406826.1); c.2308+98T>G (NM_001406803.1); c.1606+800T>G (NM_001406817.1); c.628-277T>G (NM_001407362.1); c.2016T>G, p.Pro672= (NM_001281492.2); c.2502T>G, p.Pro834= (NM_001406795.1, NM_001406802.1); and 4 more.
Identifiers: ClinVar variation 2587362 (VCV002587362.7), dbSNP rs1553413767, ClinGen allele CA426121797.